The following is an entry in ClinVar:

ClinVar aggregate classification (germline): Uncertain significance. Review status: criteria provided, multiple submitters, no conflicts (2 of 4 stars). 2 submissions from 2 submitters: Uncertain significance (2). Last evaluated 2026-02-03.

Conditions:
Alpha-1-antitrypsin deficiency (A1ATD). Also called: AAT deficiency; A1AT deficiency; Alpha1-Antitrypsin Deficiency. Identifiers: Orphanet 60, MedGen C0221757, MONDO:0013282, OMIM 613490.
SERPINA1-related disorder. Also called: SerpinA1-related disorders; SERPINA1-related condition.

gnomAD v4.1: 69 of 1,614,036 alleles (0.0043%); highest among the groups gnomAD compares: Admixed American, 0.01%; no homozygotes.

Submissions (2):

Myriad Genetics, Inc.
Classification: Uncertain significance for Alpha-1-antitrypsin deficiency. Last evaluated: 2026-02-03. Review status: criteria provided, single submitter. Criteria: Myriad Autosomal Dominant, Autosomal Recessive and X-Linked Classification Criteria (2023). Collection method: clinical testing. Allele origin: unknown.
Comment: NM_000295.4(SERPINA1):c.1095C>G(D365E) is a missense variant classified as a variant of uncertain significance in the context of alpha-1 antitrypsin deficiency. D365E has been observed in cases with relevant disease (PMID: 31661293, 35689213). Relevant functional assessments of this variant are not available in the literature. D365E has been observed in referenced population frequency databases. In summary, there is insufficient evidence to classify NM_000295.4(SERPINA1):c.1095C>G(D365E) as pathogenic or benign. Please note: this variant was assessed in the context of healthy population screening.

PreventionGenetics, part of Exact Sciences
Classification: Uncertain significance for SERPINA1-related condition. Last evaluated: 2025-12-30. Review status: criteria provided, single submitter. Criteria: ACMG Guidelines, 2015. Collection method: clinical testing. Allele origin: germline.
Comment: The SERPINA1 c.1095C>G variant is predicted to result in the amino acid substitution p.Asp365Glu. This variant was reported as a polymorphism in a cohort of individuals undergoing genetic testing for chronic obstructive pulmonary disease (COPD) and emphysema (Ortega et al. 2020. PubMed ID: 31661293). This variant is reported in 0.0086% of alleles in individuals of Latino descent in gnomAD. At this time, the clinical significance of this variant is uncertain due to the absence of conclusive functional and genetic evidence.

Literature cited by the submitters: PubMed 31661293 (cited by Myriad Genetics, Inc.); PubMed 35689213 (cited by Myriad Genetics, Inc.).

NM_000295.5(SERPINA1):c.1095C>G (p.Asp365Glu)

Gene: SERPINA1 (serpin family A member 1; minus strand). Cytogenetic location: 14q32.13.
Variant type: single nucleotide variant.
Coding change: c.1095C>G on transcript NM_000295.5 (MANE Select); coding-DNA position 1095, C replaced by G.
Protein change: p.Asp365Glu; replaces aspartic acid 365 with glutamic acid.
Molecular consequence: missense variant.
Genome position (GRCh38, 1-based): chr14:94,378,611, G>C on the plus strand (C>G on the coding strand, the complement: SERPINA1 is on the minus strand). VCF-style: chr14-94378611-G-C. GRCh37 (hg19) VCF-style: chr14-94844948-G-C.
Other names: c.1095C>G, p.Asp365Glu (NM_001002235.3, NM_001002236.3, NM_001127700.2 and 7 more transcripts); short protein forms D365E.
Identifiers: ClinVar variation 4979259 (VCV004979259.1).
Genomic context (GRCh38, chr14:94,378,611, plus strand): 5'-GGGGATAGACATGGGTATGGCCTCTAAAAACATGGCCCCAGCAGCTTCAGTCCCTTTCTC[G>C]TCGATGGTCAGCACAGCCTTATGCACGGCCTGGAGGGGAGAGAAGCAGAGACACGTTGTA-3'
Protein context (NP_000286.3, residues 355-375): KAVHKAVLTI[Asp365Glu]EKGTEAAGAM